The following is an entry in ClinVar:

ClinVar aggregate classification (germline): Uncertain significance (1 of 4 stars; one submission).

Allele frequency attached by ClinVar (database versions not stated): gnomAD exomes below 0.00001; ExAC 0.00001.

Submission:

Labcorp Genetics (formerly Invitae), Labcorp
Classification: Uncertain significance. Last evaluated: 2022-10-25. Review status: criteria provided, single submitter. Criteria: Invitae Variant Classification Sherloc (09022015). Collection method: clinical testing. Allele origin: germline.
Comment: Advanced modeling of protein sequence and biophysical properties (such as structural, functional, and spatial information, amino acid conservation, physicochemical variation, residue mobility, and thermodynamic stability) performed at Invitae indicates that this missense variant is not expected to disrupt PCDH15 protein function. This variant has not been reported in the literature in individuals affected with PCDH15-related conditions. This variant is present in population databases (rs757999146, gnomAD 0.006%). This sequence change replaces methionine, which is neutral and non-polar, with valine, which is neutral and non-polar, at codon 1208 of the PCDH15 protein (p.Met1208Val). In summary, the available evidence is currently insufficient to determine the role of this variant in disease. Therefore, it has been classified as a Variant of Uncertain Significance.

NM_001384140.1(PCDH15):c.3622A>G (p.Met1208Val)

Gene: PCDH15 (protocadherin related 15; minus strand). Cytogenetic location: 10q21.1.
Variant type: single nucleotide variant.
Coding change: c.3622A>G on transcript NM_001384140.1 (MANE Select); coding-DNA position 3622, A replaced by G.
Protein change: p.Met1208Val; replaces methionine 1208 with valine.
Molecular consequence: missense variant.
Genome position (GRCh38, 1-based): chr10:53,866,737, T>C on the plus strand (A>G on the coding strand, the complement: PCDH15 is on the minus strand). VCF-style: chr10-53866737-T-C. GRCh37 (hg19) VCF-style: chr10-55626497-T-C.
Other names: c.3637A>G, p.Met1213Val (NM_001142763.2, NM_001142771.2); c.3622A>G, p.Met1208Val (NM_001142764.2, NM_001142766.2, NM_001142770.3 and 4 more transcripts); c.3409A>G, p.Met1137Val (NM_001142765.2); c.3511A>G, p.Met1171Val (NM_001142767.2); c.3556A>G, p.Met1186Val (NM_001142768.2, NM_001142773.2, NM_001354404.2); c.3658A>G, p.Met1220Val (NM_001142769.4); c.3643A>G, p.Met1215Val (NM_001354411.2); short protein forms M1215V, M1220V, M1137V, M1186V, M1208V, M1213V, M1171V.
Identifiers: ClinVar variation 1942913 (VCV001942913.5), dbSNP rs757999146, ClinGen allele CA5505606.